The following is an entry in ClinVar:

ClinVar aggregate classification (germline): Uncertain significance (1 of 4 stars; one submission).

Conditions:
SHANK3-related disorder. Also called: SHANK3-related condition.

Submission:

PreventionGenetics, part of Exact Sciences
Classification: Uncertain significance for SHANK3-related condition. Last evaluated: 2025-02-25. Review status: criteria provided, single submitter. Criteria: ACMG Guidelines, 2015. Collection method: clinical testing. Allele origin: germline.
Comment: The SHANK3 c.3565G>C variant is predicted to result in the amino acid substitution p.Glu1189Gln. To our knowledge, this variant has not been reported in the literature or in a large population database, indicating this variant is rare. At this time, the clinical significance of this variant is uncertain due to the absence of conclusive functional and genetic evidence.

NM_001372044.2(SHANK3):c.3790G>C (p.Glu1264Gln)

Gene: SHANK3 (SH3 and multiple ankyrin repeat domains 3; plus strand). Cytogenetic location: 22q13.33.
Variant type: single nucleotide variant.
Coding change: c.3790G>C on transcript NM_001372044.2 (MANE Select); coding-DNA position 3790, G replaced by C.
Protein change: p.Glu1264Gln; replaces glutamic acid 1264 with glutamine.
Molecular consequence: missense variant.
Genome position (GRCh38, 1-based): chr22:50,721,398, G>C. VCF-style: chr22-50721398-G-C. GRCh37 (hg19) VCF-style: chr22-51159826-G-C.
Other names: c.3565G>C, p.Glu1189Gln (NM_033517.1); short protein forms E1189Q, E1264Q.
Identifiers: ClinVar variation 3033270 (VCV003033270.3), dbSNP rs2083286906, ClinGen allele CA515262266.